The following is an entry in ClinVar:

NM_031844.3(HNRNPU):c.310dup (p.Met104fs)

Gene: HNRNPU (heterogeneous nuclear ribonucleoprotein U; minus strand). Cytogenetic location: 1q44.
Variant type: Duplication.
Coding change: c.310dup on transcript NM_031844.3 (MANE Select); coding-DNA position 310, one base duplicated (A; older notation c.310dupA).
Protein change: p.Met104fs; shifts the reading frame from methionine 104.
Molecular consequence: frameshift variant.
Genome position (GRCh38, 1-based): chr1:244,863,998, T duplicated on the plus strand (A on the coding strand, the reverse complement: HNRNPU is on the minus strand). VCF-style (leftmost placement, unchanged base first): chr1-244863997-A-AT. GRCh37 (hg19) VCF-style: chr1-245027299-A-AT.
Other names: c.310dup, p.Met104fs (NM_004501.3); short protein forms M104fs.
Identifiers: ClinVar variation 1727731 (VCV001727731.2), dbSNP rs2527895448, ClinGen allele CA2580063542.

ClinVar aggregate classification (germline): Pathogenic (1 of 4 stars; one submission).

Conditions:
Inborn genetic diseases. Identifiers: MedGen C0950123, MeSH D030342.

Submission:

Ambry Genetics
Classification: Pathogenic for Inborn genetic diseases. Last evaluated: 2017-09-15. Review status: criteria provided, single submitter. Criteria: Ambry Variant Classification Scheme 2023. Collection method: clinical testing. Allele origin: germline.
Comment: The c.310dupA pathogenic mutation, located in coding exon 1 of the HNRNPU gene, results from a duplication of A at nucleotide position 310, causing a translational frameshift with a predicted alternate stop codon (p.M104Nfs*41). This alteration is expected to result in loss of function by premature protein truncation or nonsense-mediated mRNA decay. As such, this alteration is interpreted as a disease-causing mutation.